The following is an entry in ClinVar:

ClinVar aggregate classification (germline): Pathogenic. Review status: criteria provided, multiple submitters, no conflicts (2 of 4 stars). 5 submissions from 5 submitters: Pathogenic (4). 1 of the submissions does not count toward it. Last evaluated 2024-08-20.

Conditions:
Ocular cystinosis. Also called: Non-Nephropathic Cystinosis; Non-Nephropathic (Ocular) Cystinosis. Identifiers: Orphanet 213, Orphanet 411641, MedGen C2931013, MONDO:0009064, OMIM 219750.
Juvenile nephropathic cystinosis. Also called: Intermediate Cystinosis; CYSTINOSIS, LATE-ONSET JUVENILE OR ADOLESCENT NEPHROPATHIC TYPE; Later-Onset (Juvenile) Cystinosis. Identifiers: Orphanet 213, Orphanet 411634, MedGen C0268626, MONDO:0009066, OMIM 219900.
Inborn genetic diseases. Identifiers: MedGen C0950123, MeSH D030342.
Nephropathic cystinosis (CTNS). Also called: Abderhalden-Kaufmann-Lignac syndrome; Abderhalden Lignac Kaufmann disease; CYSTINOSIN, DEFECT OF; LYSOSOMAL CYSTINE TRANSPORT PROTEIN, DEFECT OF. Identifiers: Orphanet 213, Orphanet 411629, MedGen C2931187, MONDO:0100151, OMIM 219800.
Cystinosis. Also called: Cystine diathesis; Cystine storage disease; Cystinoses. Identifiers: Orphanet 213, MedGen C4316899, MONDO:0016239.

Allele frequency attached by ClinVar (database versions not stated): gnomAD 0.00001; gnomAD exomes 0.00001; TOPMed 0.00002.

Submissions (5):

Natera, Inc.
Classification: Pathogenic for Cystinosis. Last evaluated: 2024-08-20. Review status: criteria provided, single submitter. Criteria: Natera Variant Classification Schema (03/2026). Collection method: clinical testing. Allele origin: germline.
Comment: The c.646dupA variant in CTNS is a frameshift variant predicted to shift the reading frame beginning at codon 216 and leads to a stop codon 12 codons downstream. This variant is expected to result in nonsense mediated decay, truncation, or a dysfunctional protein product. This variant is rare in the general population with a frequency below the threshold expected for the associated phenotype(s). This variant has been observed in one or more individuals affected with the associated recessive disease, as either homozygous or compound heterozygous with a second variant (PMID: 18178779). Given the available evidence, this variant is classified as Pathogenic.

Fulgent Genetics
Classification: Pathogenic for Ocular cystinosis; Nephropathic cystinosis; Juvenile nephropathic cystinosis. Last evaluated: 2024-04-03. Review status: criteria provided, single submitter. Criteria: ACMG Guidelines, 2015. Collection method: clinical testing. Allele origin: germline.

Labcorp Genetics (formerly Invitae), Labcorp
Classification: Pathogenic for Inborn genetic diseases; Ocular cystinosis; Juvenile nephropathic cystinosis. Last evaluated: 2024-03-16. Review status: criteria provided, single submitter. Criteria: Invitae Variant Classification Sherloc (09022015). Collection method: clinical testing. Allele origin: germline.
Comment: This sequence change creates a premature translational stop signal (p.Thr216Asnfs*12) in the CTNS gene. It is expected to result in an absent or disrupted protein product. Loss-of-function variants in CTNS are known to be pathogenic (PMID: 9537412, 27102039). This variant is present in population databases (no rsID available, gnomAD 0.003%). This premature translational stop signal has been observed in individuals with cystinosis (PMID: 9792862, 18178779, 19863563, 27858370). This variant is also known as c.985insA, p.Thr216Asn. ClinVar contains an entry for this variant (Variation ID: 371084). For these reasons, this variant has been classified as Pathogenic.

Baylor Genetics
Classification: Pathogenic for Nephropathic cystinosis. Last evaluated: 2022-12-04. Review status: criteria provided, single submitter. Criteria: ACMG Guidelines, 2015. Collection method: clinical testing. Allele origin: unknown.

Counsyl
Classification: Pathogenic for Nephropathic cystinosis. Last evaluated: 2016-06-23. Review status: no assertion criteria provided. Collection method: clinical testing. Allele origin: unknown. Not counted in ClinVar's aggregate classification.

Literature cited by the submitters: PubMed 18178779 (cited by Natera, Inc. and Labcorp Genetics (formerly Invitae), Labcorp); PubMed 9537412 (cited by Labcorp Genetics (formerly Invitae), Labcorp); PubMed 27102039 (cited by Labcorp Genetics (formerly Invitae), Labcorp); PubMed 9792862 (cited by Labcorp Genetics (formerly Invitae), Labcorp and Counsyl); PubMed 19863563 (cited by Labcorp Genetics (formerly Invitae), Labcorp and Counsyl); PubMed 27858370 (cited by Labcorp Genetics (formerly Invitae), Labcorp).

NM_004937.3(CTNS):c.646dup (p.Thr216fs)

Genes: CTNS (cystinosin, lysosomal cystine transporter; plus strand), CTNS-AS1 (CTNS antisense RNA 1; minus strand). Cytogenetic location: 17p13.2.
Variant type: Duplication.
Coding change: c.646dup on transcript NM_004937.3 (MANE Select); coding-DNA position 646, one base duplicated (A; older notation c.646dupA).
Protein change: p.Thr216fs; shifts the reading frame from threonine 216.
Molecular consequence: frameshift variant.
Genome position (GRCh38, 1-based): chr17:3,656,760, A duplicated. VCF-style (leftmost placement, unchanged base first): chr17-3656759-C-CA. GRCh37 (hg19) VCF-style: chr17-3560053-C-CA.
Other names: c.646dup, p.Thr216fs (NM_001031681.3, NM_001374492.1); c.205dup, p.Thr69fs (NM_001374493.1, NM_001374494.1, NM_001374495.1 and 1 more transcripts); c.646dup (NM_004937.2); short protein forms T216fs, T69fs.
Identifiers: ClinVar variation 371084 (VCV000371084.17), dbSNP rs893207601, ClinGen allele CA16041835.
Genomic context (GRCh38, chr17:3,656,759, plus strand): 5'-CAACGGAGTGAACCCCGTGAACAGCAACGACGTCTTCTTCAGCCTGCACGCGGTTGTCCT[C>CA]ACGCTGATCATCATCGTGCAGTGCTGCCTGTATGAGGTGAGACCAGCCCTGGCCCCCCAC-3'